The following is an entry in ClinVar:

ClinVar aggregate classification (germline): Uncertain significance. Review status: criteria provided, multiple submitters, no conflicts (2 of 4 stars). 5 submissions from 5 submitters: Uncertain significance (5). Last evaluated 2026-03-28.

Conditions:
Malignant hyperthermia, susceptibility to, 5 (MHS5). Also called: CACNA1S-Related Malignant Hyperthermia Susceptibility. Identifiers: Orphanet 423, MedGen C1866077, MONDO:0011163, OMIM 601887.
Hypokalemic periodic paralysis, type 1. Also called: HypoPP; Hypokalemic Periodic Paralysis Type 1 (AD). Identifiers: Orphanet 681, MedGen C3714580, MONDO:0042979, OMIM 170400.
Congenital myopathy 18. Also called: DIHYDROPYRIDINE RECEPTOR CONGENITAL MYOPATHY; DHPR CONGENITAL MYOPATHY; Myopathy, congenital, due to dihydropyridine receptor defect. Identifiers: MedGen C5830283, MONDO:0859514, OMIM 620246.
Thyrotoxic periodic paralysis, susceptibility to, 1 (TTPP1). Identifiers: Orphanet 79102, MedGen C2749982, MONDO:0008570, OMIM 188580.

Allele frequency attached by ClinVar (database versions not stated): gnomAD 0.00001; gnomAD exomes below 0.00001; TOPMed below 0.00001.
gnomAD v4.1: 8 of 1,613,728 alleles (0.0005%); highest among the groups gnomAD compares: Non-Finnish European, 0.00059%; no homozygotes.

Submissions (5):

GeneDx
Classification: Uncertain significance. Last evaluated: 2026-03-28. Review status: criteria provided, single submitter. Criteria: GeneDx Variant Classification Process June 2021. Collection method: clinical testing. Allele origin: germline.
Comment: Not observed at significant frequency in large population cohorts (gnomAD); In silico analysis supports that this missense variant has a deleterious effect on protein structure/function; Has not been previously published as pathogenic or benign to our knowledge

Labcorp Genetics (formerly Invitae), Labcorp
Classification: Uncertain significance for Hypokalemic periodic paralysis, type 1; Malignant hyperthermia, susceptibility to, 5. Last evaluated: 2025-10-02. Review status: criteria provided, single submitter. Criteria: Invitae Variant Classification Sherloc (09022015). Collection method: clinical testing. Allele origin: germline.
Comment: This sequence change replaces leucine, which is neutral and non-polar, with phenylalanine, which is neutral and non-polar, at codon 1199 of the CACNA1S protein (p.Leu1199Phe). This variant is not present in population databases (gnomAD no frequency). This variant has not been reported in the literature in individuals affected with CACNA1S-related conditions. ClinVar contains an entry for this variant (Variation ID: 3074528). Invitae Evidence Modeling of protein sequence and biophysical properties (such as structural, functional, and spatial information, amino acid conservation, physicochemical variation, residue mobility, and thermodynamic stability) indicates that this missense variant is not expected to disrupt CACNA1S protein function with a negative predictive value of 95%. In summary, the available evidence is currently insufficient to determine the role of this variant in disease. Therefore, it has been classified as a Variant of Uncertain Significance.

Fulgent Genetics
Classification: Uncertain significance for Hypokalemic periodic paralysis, type 1; Thyrotoxic periodic paralysis, susceptibility to, 1; Malignant hyperthermia, susceptibility to, 5; Congenital myopathy 18. Last evaluated: 2024-04-27. Review status: criteria provided, single submitter. Criteria: ACMG Guidelines, 2015. Collection method: clinical testing. Allele origin: germline.

All of Us Research Program, National Institutes of Health
Classification: Uncertain significance for Malignant hyperthermia, susceptibility to, 5. Last evaluated: 2023-11-20. Review status: criteria provided, single submitter. Criteria: ACMG Guidelines, 2015. Collection method: clinical testing. Allele origin: germline. Inheritance: Autosomal dominant inheritance. Observed: 1 variant allele, 1 heterozygote.
Comment: This missense variant replaces leucine with phenylalanine at codon 1199 of the CACNA1S protein. Computational prediction suggests that this variant may have deleterious impact on protein structure and function (internally defined REVEL score threshold >= 0.7, PMID: 27666373). To our knowledge, functional studies have not been reported for this variant. This variant has not been reported in individuals affected with CACNA1S-related disorders in the literature. This variant has not been identified in the general population by the Genome Aggregation Database (gnomAD). The available evidence is insufficient to determine the role of this variant in disease conclusively. Therefore, this variant is classified as a Variant of Uncertain Significance.

This study involves interpretation of variants in research participants for the purpose of population health screening. Participant phenotype was not available at the time of variant classification. Additional details can be found in publication PMID: 35346344, PMCID: PMC8962531

Color Diagnostics, LLC DBA Color Health
Classification: Uncertain significance for Malignant hyperthermia, susceptibility to, 5. Last evaluated: 2023-11-01. Review status: criteria provided, single submitter. Criteria: ACMG Guidelines, 2015. Collection method: clinical testing. Allele origin: germline.
Comment: This missense variant replaces leucine with phenylalanine at codon 1199 of the CACNA1S protein. Computational prediction suggests that this variant may have deleterious impact on protein structure and function. To our knowledge, functional studies have not been reported for this variant. This variant has not been reported in individuals affected with CACNA1S-related disorders in the literature. This variant has not been identified in the general population by the Genome Aggregation Database (gnomAD). The available evidence is insufficient to determine the role of this variant in disease conclusively. Therefore, this variant is classified as a Variant of Uncertain Significance.

NM_000069.3(CACNA1S):c.3595C>T (p.Leu1199Phe)

Gene: CACNA1S (calcium voltage-gated channel subunit alpha1 S; minus strand). Cytogenetic location: 1q32.1.
Variant type: single nucleotide variant.
Coding change: c.3595C>T on transcript NM_000069.3 (MANE Select); coding-DNA position 3595, C replaced by T.
Protein change: p.Leu1199Phe; replaces leucine 1199 with phenylalanine.
Molecular consequence: missense variant.
Genome position (GRCh38, 1-based): chr1:201,058,422, G>A on the plus strand (C>T on the coding strand, the complement: CACNA1S is on the minus strand). VCF-style: chr1-201058422-G-A. GRCh37 (hg19) VCF-style: chr1-201027550-G-A.
Other names: c.3595C>T (NM_000069.2); short protein forms L1199F.
Identifiers: ClinVar variation 3074528 (VCV003074528.5), dbSNP rs1379376852, ClinGen allele CA344157378.